The following is an entry in ClinVar:

NM_001386188.2(CENPI):c.687+8C>T

Gene: CENPI (centromere protein I; plus strand). Cytogenetic location: Xq22.1.
Variant type: single nucleotide variant.
Coding change: c.687+8C>T on transcript NM_001386188.2 (MANE Select); 8 bases into the intron after coding-DNA position 687, C replaced by T.
Molecular consequence: intron variant.
Genome position (GRCh38, 1-based): chrX:101,120,792, C>T. VCF-style: chrX-101120792-C-T. GRCh37 (hg19) VCF-style: chrX-100375781-C-T.
Other names: c.687+8C>T (NM_001318521.2, NM_006733.3, NM_001318523.1).
Identifiers: ClinVar variation 3772278 (VCV003772278.13).

ClinVar aggregate classification (germline): Uncertain significance (1 of 4 stars; one submission).

gnomAD v4.1: 1 of 1,196,221 alleles (0.000084%); highest among the groups gnomAD compares: Non-Finnish European, 0.00011%; no homozygotes.

Submission:

CeGaT Center for Human Genetics Tuebingen
Classification: Uncertain significance. Last evaluated: 2025-01-01. Review status: criteria provided, single submitter. Criteria: CeGaT Center For Human Genetics Tuebingen Variant Classification Criteria Version 2. Collection method: clinical testing. Allele origin: germline. Affected: yes. Observed: 1 variant allele.
Comment: CENPI: PM2, BP4